The following is an entry in ClinVar:

ClinVar aggregate classification (germline): Conflicting classifications of pathogenicity. Review status: criteria provided, conflicting classifications (1 of 4 stars). 6 submissions from 6 submitters: Uncertain significance (1); Likely benign (4). 1 of the submissions does not count toward it. Last evaluated 2025-12-22.

Conditions:
Cardiovascular phenotype. Identifiers: MedGen CN230736.
RBM20-related disorder. Also called: RBM20-related condition.
Dilated cardiomyopathy 1DD (CMD1DD). Identifiers: Orphanet 154, MedGen C2750995, MONDO:0013168, OMIM 613172.

Allele frequency attached by ClinVar (database versions not stated): gnomAD exomes 0.00003; gnomAD 0.00004; TOPMed 0.00006.
gnomAD v4.1: 61 of 1,525,820 alleles (0.004%); highest among the groups gnomAD compares: Admixed American, 0.0061%; no homozygotes.

Submissions (6):

Labcorp Genetics (formerly Invitae), Labcorp
Classification: Likely benign for Dilated cardiomyopathy 1DD. Last evaluated: 2025-12-22. Review status: criteria provided, single submitter. Criteria: Invitae Variant Classification Sherloc (09022015). Collection method: clinical testing. Allele origin: germline.

Ambry Genetics
Classification: Likely benign for Cardiovascular phenotype. Last evaluated: 2021-02-18. Review status: criteria provided, single submitter. Criteria: Ambry Variant Classification Scheme 2023. Collection method: clinical testing. Allele origin: germline.

ARUP Laboratories, Molecular Genetics and Genomics, ARUP Laboratories
Classification: Likely benign. Last evaluated: 2018-01-22. Review status: criteria provided, single submitter. Criteria: ARUP Molecular Germline Variant Investigation Process. Collection method: clinical testing. Allele origin: germline.
Comment: The c.99G>C p.Pro33Pro variant does not alter the amino acid sequence of the RBM20 protein and computational splice site prediction algorithms do not predict a change in the nearest splice site or creation of a cryptic splice site. This variant, to our knowledge, is not reported in the medical literature, gene specific variation databases, nor has it been previously identified by our laboratory. It is listed in the genome Aggregation Database (gnomAD) with an overall population frequency of 0.004% (identified on 6 out of 147,134 chromosomes). Based on the available information, the c.99G>C variant is likely to be benign.

Illumina Laboratory Services, Illumina
Classification: Uncertain significance for Dilated cardiomyopathy 1DD. Last evaluated: 2018-01-13. Review status: criteria provided, single submitter. Criteria: ICSL Variant Classification Criteria 13 December 2019. Collection method: clinical testing. Allele origin: germline.

GeneDx
Classification: Likely benign. Last evaluated: 2018-01-11. Review status: criteria provided, single submitter. Criteria: GeneDx Variant Classification (06012015). Collection method: clinical testing. Allele origin: germline. Affected: yes.
Comment: This variant is considered likely benign or benign based on one or more of the following criteria: it is a conservative change, it occurs at a poorly conserved position in the protein, it is predicted to be benign by multiple in silico algorithms, and/or has population frequency not consistent with disease.

PreventionGenetics, part of Exact Sciences
Classification: Likely benign for RBM20-related condition. Last evaluated: 2024-02-01. Review status: no assertion criteria provided. Collection method: clinical testing. Allele origin: germline. Not counted in ClinVar's aggregate classification.
Comment: This variant is classified as likely benign based on ACMG/AMP sequence variant interpretation guidelines (Richards et al. 2015 PMID: 25741868, with internal and published modifications).

NM_001134363.3(RBM20):c.99G>C (p.Pro33=)

Gene: RBM20 (RNA binding motif protein 20; plus strand). Cytogenetic location: 10q25.2.
Variant type: single nucleotide variant.
Coding change: c.99G>C on transcript NM_001134363.3 (MANE Select); coding-DNA position 99, G replaced by C.
Protein change: p.Pro33=; no amino-acid change (proline 33 retained).
Molecular consequence: synonymous variant.
Genome position (GRCh38, 1-based): chr10:110,644,553, G>C. VCF-style: chr10-110644553-G-C. GRCh37 (hg19) VCF-style: chr10-112404311-G-C.
Other names: c.99G>C (LRG_382t1).
Identifiers: ClinVar variation 508499 (VCV000508499.23), dbSNP rs921066961, ClinGen allele CA213903190.
Genomic context (GRCh38, chr10:110,644,553, plus strand): 5'-CAGCGGTCCGGAGCAGCCGGACAGAGTTGCCTGCAGTGTGCCTGGTGCCCGGGCGTCCCC[G>C]GCACCCTCCGGCCCGCGAGGGATGCAGCAGCCGCCGCCGCCGCCCCAGCCACCGCCCCCG-3'
Protein context (NP_001127835.2, residues 23-43): ACSVPGARAS[Pro33=]APSGPRGMQQ